The following is an entry in ClinVar:

NM_206933.4(USH2A):c.10141T>C (p.Tyr3381His)

Gene: USH2A (usherin; minus strand). Cytogenetic location: 1q41.
Variant type: single nucleotide variant.
Coding change: c.10141T>C on transcript NM_206933.4 (MANE Select); coding-DNA position 10141, T replaced by C.
Protein change: p.Tyr3381His; replaces tyrosine 3381 with histidine.
Molecular consequence: missense variant.
Genome position (GRCh38, 1-based): chr1:215,790,100, A>G on the plus strand (T>C on the coding strand, the complement: USH2A is on the minus strand). VCF-style: chr1-215790100-A-G. GRCh37 (hg19) VCF-style: chr1-215963442-A-G.
Other names: short protein forms Y3381H.
Identifiers: ClinVar variation 1406095 (VCV001406095.8), dbSNP rs2102769888, ClinGen allele CA344843468.

ClinVar aggregate classification (germline): Uncertain significance (1 of 4 stars; one submission).

Allele frequency attached by ClinVar (database versions not stated): gnomAD exomes below 0.00001.
gnomAD v4.1: 1 of 1,613,540 alleles (0.000062%); highest among the groups gnomAD compares: Non-Finnish European, 0.000085%; no homozygotes.

Submission:

Labcorp Genetics (formerly Invitae), Labcorp
Classification: Uncertain significance. Last evaluated: 2021-07-31. Review status: criteria provided, single submitter. Criteria: Invitae Variant Classification Sherloc (09022015). Collection method: clinical testing. Allele origin: germline.
Comment: This sequence change replaces tyrosine with histidine at codon 3381 of the USH2A protein (p.Tyr3381His). The tyrosine residue is highly conserved and there is a moderate physicochemical difference between tyrosine and histidine. This variant is not present in population databases (ExAC no frequency). This variant has not been reported in the literature in individuals with USH2A-related conditions. Algorithms developed to predict the effect of missense changes on protein structure and function are either unavailable or do not agree on the potential impact of this missense change (SIFT: "Deleterious"; PolyPhen-2: "Benign"; Align-GVGD: "Class C65"). In summary, the available evidence is currently insufficient to determine the role of this variant in disease. Therefore, it has been classified as a Variant of Uncertain Significance.